The following is an entry in ClinVar:

ClinVar aggregate classification (germline): Uncertain significance (1 of 4 stars; one submission).

Submission:

GeneDx
Classification: Uncertain significance. Last evaluated: 2019-08-12. Review status: criteria provided, single submitter. Criteria: GeneDx Variant Classification Process June 2021. Collection method: clinical testing. Allele origin: germline. Affected: yes.
Comment: Not observed in large population cohorts (Lek et al., 2016); In silico analysis, which includes splice predictors and evolutionary conservation, supports that this variant does not alter protein structure/function; Has not been previously published as pathogenic or benign to our knowledge

NM_016592.5(GNAS):c.356T>G (p.Ile119Ser)

Genes: GNAS (GNAS complex locus; plus strand), GNAS-AS1 (GNAS antisense RNA 1; minus strand). Cytogenetic location: 20q13.32.
Variant type: single nucleotide variant.
Coding change: c.356T>G on transcript NM_016592.5 (MANE Plus Clinical); coding-DNA position 356, T replaced by G.
Protein change: p.Ile119Ser; replaces isoleucine 119 with serine.
Molecular consequence: missense variant. On other transcripts: 5 prime UTR variant (1).
Genome position (GRCh38, 1-based): chr20:58,840,462, T>G. VCF-style: chr20-58840462-T-G. GRCh37 (hg19) VCF-style: chr20-57415517-T-G.
Other names: c.-382T>G (NM_001410912.1); short protein forms I119S.
Identifiers: ClinVar variation 1320375 (VCV001320375.4), dbSNP rs2145471509, ClinGen allele CA409451616.
Genomic context (GRCh38, chr20:58,840,462, plus strand): 5'-AGTGCCTAGAGTACGAGGAAGAGTTCGACTACGAGACCGAGAGCGAGACCGAGTCCGAAA[T>G]CGAGTCCGAGACCGACTTCGAGACCGAGCCTGAGACCGCCCCCACCACTGAGCCCGAGAC-3'
Protein context (NP_057676.1, residues 109-129): YETESETESE[Ile119Ser]ESETDFETEP